The following is an entry in ClinVar:

NM_198282.4(STING1):c.170G>T (p.Gly57Val)

Gene: STING1 (stimulator of interferon response cGAMP interactor 1; minus strand). Cytogenetic location: 5q31.2.
Variant type: single nucleotide variant.
Coding change: c.170G>T on transcript NM_198282.4 (MANE Select); coding-DNA position 170, G replaced by T.
Protein change: p.Gly57Val; replaces glycine 57 with valine.
Molecular consequence: missense variant. On other transcripts: intron variant (1).
Genome position (GRCh38, 1-based): chr5:139,481,535, C>A on the plus strand (G>T on the coding strand, the complement: STING1 is on the minus strand). VCF-style: chr5-139481535-C-A. GRCh37 (hg19) VCF-style: chr5-138861120-C-A.
Other names: c.170G>T, p.Gly57Val (NM_001301738.2); c.-130-193G>T (NM_001367258.1); short protein forms G57V.
Identifiers: ClinVar variation 2995919 (VCV002995919.3), dbSNP rs931914513, ClinGen allele CA361481720.

ClinVar aggregate classification (germline): Uncertain significance (1 of 4 stars; one submission).

Conditions:
STING-associated vasculopathy with onset in infancy. Also called: Sting-associated vasculopathy, infantile-onset. Identifiers: Orphanet 425120, MedGen C4014722, MONDO:0014405, OMIM 615934.

Allele frequency attached by ClinVar (database versions not stated): gnomAD exomes 0.00001.
gnomAD v4.1: 4 of 1,613,880 alleles (0.00025%); highest among the groups gnomAD compares: Non-Finnish European, 0.00034%; no homozygotes.

Submission:

Labcorp Genetics (formerly Invitae), Labcorp
Classification: Uncertain significance for STING-associated vasculopathy with onset in infancy. Last evaluated: 2023-10-12. Review status: criteria provided, single submitter. Criteria: Invitae Variant Classification Sherloc (09022015). Collection method: clinical testing. Allele origin: germline.
Comment: This sequence change replaces glycine, which is neutral and non-polar, with valine, which is neutral and non-polar, at codon 57 of the TMEM173 protein (p.Gly57Val). This variant is not present in population databases (gnomAD no frequency). This variant has not been reported in the literature in individuals affected with TMEM173-related conditions. Advanced modeling of protein sequence and biophysical properties (such as structural, functional, and spatial information, amino acid conservation, physicochemical variation, residue mobility, and thermodynamic stability) performed at Invitae indicates that this missense variant is not expected to disrupt TMEM173 protein function. In summary, the available evidence is currently insufficient to determine the role of this variant in disease. Therefore, it has been classified as a Variant of Uncertain Significance.